The following is an entry in ClinVar:

ClinVar aggregate classification (germline): Uncertain significance (1 of 4 stars; one submission).

Allele frequency attached by ClinVar (database versions not stated): gnomAD exomes below 0.00001; ESP Exome Variant Server 0.00008.
gnomAD v4.1: 6 of 1,597,562 alleles (0.00038%); highest among the groups gnomAD compares: Non-Finnish European, 0.00043%; no homozygotes.

Submission:

Labcorp Genetics (formerly Invitae), Labcorp
Classification: Uncertain significance. Last evaluated: 2021-11-05. Review status: criteria provided, single submitter. Criteria: Invitae Variant Classification Sherloc (09022015). Collection method: clinical testing. Allele origin: germline.
Comment: This sequence change replaces serine, which is neutral and polar, with threonine, which is neutral and polar, at codon 95 of the OSTM1 protein (p.Ser95Thr). This variant is present in population databases (rs138965798, gnomAD 0.003%). This variant has not been reported in the literature in individuals affected with OSTM1-related conditions. Algorithms developed to predict the effect of missense changes on protein structure and function are either unavailable or do not agree on the potential impact of this missense change (SIFT: "Tolerated"; PolyPhen-2: "Probably Damaging"; Align-GVGD: "Class C0"). In summary, the available evidence is currently insufficient to determine the role of this variant in disease. Therefore, it has been classified as a Variant of Uncertain Significance.

NM_014028.4(OSTM1):c.284G>C (p.Ser95Thr)

Gene: OSTM1 (osteoclastogenesis associated transmembrane protein 1; minus strand). Cytogenetic location: 6q21.
Variant type: single nucleotide variant.
Coding change: c.284G>C on transcript NM_014028.4 (MANE Select); coding-DNA position 284, G replaced by C.
Protein change: p.Ser95Thr; replaces serine 95 with threonine.
Molecular consequence: missense variant.
Genome position (GRCh38, 1-based): chr6:108,074,368, C>G on the plus strand (G>C on the coding strand, the complement: OSTM1 is on the minus strand). VCF-style: chr6-108074368-C-G. GRCh37 (hg19) VCF-style: chr6-108395572-C-G.
Other names: short protein forms S95T.
Identifiers: ClinVar variation 1515976 (VCV001515976.3), dbSNP rs138965798, ClinGen allele CA3948100.
Genomic context (GRCh38, chr6:108,074,368, plus strand): 5'-CAGGTCTGACAGAGGCGCACGGGCCGGGCGCTGCGCACCAGACACCCTGTCAGCTCTGCG[C>G]TGCTGTTGGCGAAGTCCAGCAGGAGCTCCCGGCACTCAGGATCCAGATCCGGCAGGTCCG-3'
Protein context (NP_054747.2, residues 85-105): RELLLDFANS[Ser95Thr]AELTGCLVRS